The following is an entry in ClinVar:

ClinVar aggregate classification (germline): Uncertain significance. Review status: criteria provided, multiple submitters, no conflicts (2 of 4 stars). 3 submissions from 3 submitters: Uncertain significance (3). Last evaluated 2025-03-13.

Conditions:
Malignant hyperthermia, susceptibility to, 1 (MHS1). Also called: RYR1-Related Malignant Hyperthermia Susceptibility; Anesthesia related hyperthermia; Malignant hyperpyrexia; Fulminating hyperpyrexia; Pharmacogenic myopathy; Malignant hyperthermia suceptibility 1. Identifiers: Orphanet 423, MedGen C2930980, MONDO:0007783, OMIM 145600.
RYR1-related disorder. Also called: RYR1-related disorders; RYR1-related condition. Identifiers: MedGen CN239331.

Allele frequency attached by ClinVar (database versions not stated): gnomAD exomes below 0.00001; TOPMed below 0.00001; ExAC 0.00001.

Submissions (3):

GeneDx
Classification: Uncertain significance. Last evaluated: 2025-03-13. Review status: criteria provided, single submitter. Criteria: GeneDx Variant Classification Process June 2021. Collection method: clinical testing. Allele origin: germline.
Comment: Not observed at significant frequency in large population cohorts (gnomAD); In silico analysis supports that this missense variant has a deleterious effect on protein structure/function; Functional studies suggest p.(G2372A) does not impair protein function (PMID: 11695996); This variant is associated with the following publications: (PMID: 12668474, 33767344, 11695996)

Labcorp Genetics (formerly Invitae), Labcorp
Classification: Uncertain significance for RYR1-related disorder. Last evaluated: 2023-11-03. Review status: criteria provided, single submitter. Criteria: Invitae Variant Classification Sherloc (09022015). Collection method: clinical testing. Allele origin: germline.
Comment: This sequence change replaces glycine, which is neutral and non-polar, with alanine, which is neutral and non-polar, at codon 2372 of the RYR1 protein (p.Gly2372Ala). This variant is present in population databases (rs747106052, gnomAD 0.0009%). This variant has not been reported in the literature in individuals affected with RYR1-related conditions. ClinVar contains an entry for this variant (Variation ID: 1010030). Advanced modeling of protein sequence and biophysical properties (such as structural, functional, and spatial information, amino acid conservation, physicochemical variation, residue mobility, and thermodynamic stability) performed at Invitae indicates that this missense variant is expected to disrupt RYR1 protein function with a positive predictive value of 95%. In summary, the available evidence is currently insufficient to determine the role of this variant in disease. Therefore, it has been classified as a Variant of Uncertain Significance.

All of Us Research Program, National Institutes of Health
Classification: Uncertain significance for Malignant hyperthermia, susceptibility to, 1. Last evaluated: 2023-10-27. Review status: criteria provided, single submitter. Criteria: ACMG Guidelines, 2015. Collection method: clinical testing. Allele origin: germline. Inheritance: Autosomal dominant inheritance. Observed: 1 variant allele, 1 heterozygote.
Comment: This study involves interpretation of variants in research participants for the purpose of population health screening. Participant phenotype was not available at the time of variant classification. Additional details can be found in publication PMID: 35346344, PMCID: PMC8962531

NM_000540.3(RYR1):c.7115G>C (p.Gly2372Ala)

Gene: RYR1 (ryanodine receptor 1; plus strand). Cytogenetic location: 19q13.2.
Variant type: single nucleotide variant.
Coding change: c.7115G>C on transcript NM_000540.3 (MANE Select); coding-DNA position 7115, G replaced by C.
Protein change: p.Gly2372Ala; replaces glycine 2372 with alanine.
Molecular consequence: missense variant.
Genome position (GRCh38, 1-based): chr19:38,499,722, G>C. VCF-style: chr19-38499722-G-C. GRCh37 (hg19) VCF-style: chr19-38990362-G-C.
Other names: c.7115G>C, p.Gly2372Ala (NM_001042723.2); c.7115G>C (NM_000540.2); short protein forms G2372A.
Identifiers: ClinVar variation 1010030 (VCV001010030.9), dbSNP rs747106052, ClinGen allele CA069161.